The following is an entry in ClinVar:

NM_001367624.2(ZNF469):c.7595G>T (p.Arg2532Met)

Gene: ZNF469 (zinc finger protein 469; plus strand). Cytogenetic location: 16q24.2.
Variant type: single nucleotide variant.
Coding change: c.7595G>T on transcript NM_001367624.2 (MANE Select); coding-DNA position 7595, G replaced by T.
Protein change: p.Arg2532Met; replaces arginine 2532 with methionine.
Molecular consequence: missense variant.
Genome position (GRCh38, 1-based): chr16:88,435,065, G>T. VCF-style: chr16-88435065-G-T. GRCh37 (hg19) VCF-style: chr16-88501473-G-T.
Other names: NM_001127464.2:c.7511G>T; NM_001127464.1:c.7511G>T; short protein forms R2532M.
Identifiers: ClinVar variation 1675640 (VCV001675640.45), dbSNP rs553909579, ClinGen allele CA8225265.

ClinVar aggregate classification (germline): Conflicting classifications of pathogenicity. Review status: criteria provided, conflicting classifications (1 of 4 stars). 5 submissions from 5 submitters: Uncertain significance (4); Likely benign (1). Last evaluated 2026-01-24.

Conditions:
Brittle cornea syndrome 1 (BCS1). Also called: Corneal fragility keratoglobus, blue sclerae AND joint hypermobility; DYSGENESIS MESODERMALIS CORNEAE ET SCLERAE; CORNEAL FRAGILITY, KERATOGLOBUS, BLUE SCLERAE, JOINT HYPEREXTENSIBILITY; EDS6B; FRAGILITAS OCULI WITH JOINT HYPEREXTENSIBILITY. Identifiers: Orphanet 90354, MedGen C0268344, MONDO:0024543, OMIM 229200.
Ehlers-Danlos syndrome (EDS). Identifiers: Orphanet 98249, MedGen C0013720, MONDO:0020066.
Cardiovascular phenotype. Identifiers: MedGen CN230736.

Allele frequency attached by ClinVar (database versions not stated): gnomAD 0.00001 and 0.00009; TOPMed 0.00004; gnomAD exomes 0.00015 and 0.00033; 1000 Genomes Project 30x 0.00047; 1000 Genomes Project 0.00060; ExAC 0.00106.
gnomAD v4.1: 224 of 1,550,394 alleles (0.014%); highest among the groups gnomAD compares: South Asian, 0.25%; no homozygotes.

Submissions (5):

Labcorp Genetics (formerly Invitae), Labcorp
Classification: Likely benign. Last evaluated: 2026-01-24. Review status: criteria provided, single submitter. Criteria: Invitae Variant Classification Sherloc (09022015). Collection method: clinical testing. Allele origin: germline.

Revvity Omics, Revvity
Classification: Uncertain significance for Brittle cornea syndrome 1. Last evaluated: 2023-12-19. Review status: criteria provided, single submitter. Criteria: ACMG Guidelines, 2015. Collection method: clinical testing. Allele origin: germline.

CeGaT Center for Human Genetics Tuebingen
Classification: Uncertain significance. Last evaluated: 2022-03-01. Review status: criteria provided, single submitter. Criteria: CeGaT Center For Human Genetics Tuebingen Variant Classification Criteria Version 2. Collection method: clinical testing. Allele origin: germline. Affected: yes. Observed: 1 variant allele.

Genome Diagnostics Laboratory, The Hospital for Sick Children
Classification: Uncertain significance for Ehlers-Danlos syndrome. Last evaluated: 2021-10-12. Review status: criteria provided, single submitter. Criteria: ACMG Guidelines, 2015. Collection method: clinical testing. Allele origin: germline.

Ambry Genetics
Classification: Uncertain significance for Cardiovascular phenotype. Last evaluated: 2021-05-21. Review status: criteria provided, single submitter. Criteria: Ambry Variant Classification Scheme 2023. Collection method: clinical testing. Allele origin: germline.
Comment: The p.R2504M variant (also known as c.7511G>T), located in coding exon 2 of the ZNF469 gene, results from a G to T substitution at nucleotide position 7511. The arginine at codon 2504 is replaced by methionine, an amino acid with similar properties. This amino acid position is poorly conserved in available vertebrate species. In addition, this alteration is predicted to be tolerated by in silico analysis. Since supporting evidence is limited at this time, the clinical significance of this alteration remains unclear.